The following is an entry in ClinVar:

ClinVar aggregate classification (germline): Uncertain significance (1 of 4 stars; one submission).

Submission:

Mayo Clinic Laboratories, Mayo Clinic
Classification: Uncertain significance. Last evaluated: 2025-08-29. Review status: criteria provided, single submitter. Criteria: ACMG Guidelines, 2015. Collection method: clinical testing. Allele origin: germline. Observed: 2 variant alleles.
Comment: BP4, PM2_supporting

Literature cited by the submitters: PubMed 37231942.

NM_001009944.3(PKD1):c.3829G>C (p.Ala1277Pro)

Gene: PKD1 (polycystin 1, transient receptor potential channel interacting; minus strand). Cytogenetic location: 16p13.3.
Variant type: single nucleotide variant.
Coding change: c.3829G>C on transcript NM_001009944.3 (MANE Select); coding-DNA position 3829, G replaced by C.
Protein change: p.Ala1277Pro; replaces alanine 1277 with proline.
Molecular consequence: missense variant.
Genome position (GRCh38, 1-based): chr16:2,111,338, C>G on the plus strand (G>C on the coding strand, the complement: PKD1 is on the minus strand). VCF-style: chr16-2111338-C-G. GRCh37 (hg19) VCF-style: chr16-2161339-C-G.
Other names: p.Ala1277Pro; c.3829G>C, p.Ala1277Pro (NM_000296.4); short protein forms A1277P.
Identifiers: ClinVar variation 4541997 (VCV004541997.1).
Genomic context (GRCh38, chr16:2,111,338, plus strand): 5'-GCACCTCCAGGACGAAGACCAGCACGTGCAGGCTCCGGGCCAGGTGGCCGGCGGGGCTGG[C>G]CGCACCCACGGTCACTGTGCAGTTCTGTGCCCGCAGGTACACATGCTCCACTGTTGCCTC-3'
Protein context (NP_001009944.3, residues 1267-1287): AQNCTVTVGA[Ala1277Pro]SPAGHLARSL